The following is an entry in ClinVar:

ClinVar aggregate classification (germline): Uncertain significance (1 of 4 stars; one submission).

Conditions:
KIDINS220-related disorder. Also called: KIDINS220-related condition.

Submission:

PreventionGenetics, part of Exact Sciences
Classification: Uncertain significance for KIDINS220-related condition. Last evaluated: 2024-11-15. Review status: criteria provided, single submitter. Criteria: ACMG Guidelines, 2015. Collection method: clinical testing. Allele origin: germline.
Comment: The KIDINS220 c.1582G>A variant is predicted to result in the amino acid substitution p.Val528Met. To our knowledge, this variant has not been reported in the literature or in a large population database (gnomAD), indicating this variant is rare. At this time, the clinical significance of this variant is uncertain due to the absence of conclusive functional and genetic evidence.

NM_020738.4(KIDINS220):c.1582G>A (p.Val528Met)

Gene: KIDINS220 (kinase D interacting substrate 220; minus strand). Cytogenetic location: 2p25.1.
Variant type: single nucleotide variant.
Coding change: c.1582G>A on transcript NM_020738.4 (MANE Select); coding-DNA position 1582, G replaced by A.
Protein change: p.Val528Met; replaces valine 528 with methionine.
Molecular consequence: missense variant. On other transcripts: non-coding transcript variant (2).
Genome position (GRCh38, 1-based): chr2:8,789,919, C>T on the plus strand (G>A on the coding strand, the complement: KIDINS220 is on the minus strand). VCF-style: chr2-8789919-C-T. GRCh37 (hg19) VCF-style: chr2-8930049-C-T.
Other names: c.1585G>A, p.Val529Met (NM_001348729.2, NM_001348731.2, NM_001348734.2 and 3 more transcripts); c.1582G>A, p.Val528Met (NM_001348732.2, NM_001348735.2, NM_001348738.2 and 3 more transcripts); c.1456G>A, p.Val486Met (NM_001348736.2); short protein forms V486M, V528M, V529M.
Identifiers: ClinVar variation 5000863 (VCV005000863.1).